The following is an entry in ClinVar:

ClinVar aggregate classification (germline): Uncertain significance. Review status: criteria provided, multiple submitters, no conflicts (2 of 4 stars). 2 submissions from 2 submitters: Uncertain significance (2). Last evaluated 2025-06-22.

Conditions:
Telangiectasia, hereditary hemorrhagic, type 2 (HHT2). Also called: ACVRL1-Related Hereditary Hemorrhagic Telangiectasia; Telangiectasia, hereditary hemorrhagic, type II. Identifiers: Orphanet 774, MedGen C1838163, MONDO:0010880, OMIM 600376. Disease mechanism: loss of function.
Cardiovascular phenotype. Identifiers: MedGen CN230736.

Submissions (2):

Labcorp Genetics (formerly Invitae), Labcorp
Classification: Uncertain significance for Telangiectasia, hereditary hemorrhagic, type 2. Last evaluated: 2025-06-22. Review status: criteria provided, single submitter. Criteria: Invitae Variant Classification Sherloc (09022015). Collection method: clinical testing. Allele origin: germline.
Comment: This variant, c.159_161del, results in the deletion of 1 amino acid(s) of the ACVRL1 protein (p.Val54del), but otherwise preserves the integrity of the reading frame. This variant is not present in population databases (gnomAD no frequency). This variant has been observed in individual(s) with clinical features of hereditary hemorrhagic telangiectasia (internal data). Experimental studies and prediction algorithms are not available or were not evaluated, and the functional significance of this variant is currently unknown. In summary, the available evidence is currently insufficient to determine the role of this variant in disease. Therefore, it has been classified as a Variant of Uncertain Significance.

Ambry Genetics
Classification: Uncertain significance for Cardiovascular phenotype. Last evaluated: 2021-07-01. Review status: criteria provided, single submitter. Criteria: Ambry Variant Classification Scheme 2023. Collection method: clinical testing. Allele origin: germline.
Comment: The c.159_161delAGT variant (also known as p.V54del) is located in coding exon 2 of the ACVRL1 gene. This variant results from an in-frame AGT deletion at nucleotide positions 159 to 161. This results in the in-frame deletion of a valine at codon 54. This amino acid position is well conserved in available vertebrate species. In addition, this alteration is predicted to be neutral by in silico analysis (Choi Y et al. PLoS ONE. 2012; 7(10):e46688). Since supporting evidence is limited at this time, the clinical significance of this alteration remains unclear.

NM_000020.3(ACVRL1):c.156AGT[1] (p.Val54del)

Gene: ACVRL1 (activin A receptor like type 1; plus strand). Cytogenetic location: 12q13.13.
Variant type: Microsatellite.
Coding change: c.156AGT[1] on transcript NM_000020.3 (MANE Select); one copy of the 3-base unit AGT starting at c.156; the reference has two copies in a row; one copy, 3 bases deleted.
Protein change: p.Val54del; deletes valine 54.
Molecular consequence: inframe deletion. On other transcripts: inframe indel (10).
Genome position (GRCh38, 1-based): chr12:51,913,196-51,913,198, AGT deleted; deleting any 3 consecutive bases within chr12:51,913,193-51,913,198 gives the same sequence; the position shown is the placement nearest the transcript's 3' end. VCF-style (leftmost placement, unchanged base first): chr12-51913192-CAGT-C. GRCh37 (hg19) VCF-style: chr12-52306976-CAGT-C.
Other names: c.156_158AGT[1], p.Val54del (NM_000020.2, NM_001406487.1, NM_001406488.1 and 6 more transcripts); c.156AGT[1], p.Val54del (NM_001077401.2); c.159_161delAGT (NM_000020.2); short protein forms V54del.
Identifiers: ClinVar variation 1775898 (VCV001775898.3), dbSNP rs2540158545, ClinGen allele CA1139767800.